The following is an entry in ClinVar:

ClinVar aggregate classification (germline): Uncertain significance. Review status: criteria provided, multiple submitters, no conflicts (2 of 4 stars). 2 submissions from 2 submitters: Uncertain significance (2). Last evaluated 2025-08-03.

Conditions:
Hypertrophic cardiomyopathy. Also called: HYPERTROPHIC MYOCARDIOPATHY. Identifiers: Orphanet 217569, MedGen C0007194, MeSH D002312, MONDO:0005045, HP:0001639.

Submissions (2):

Labcorp Genetics (formerly Invitae), Labcorp
Classification: Uncertain significance for Hypertrophic cardiomyopathy. Last evaluated: 2025-08-03. Review status: criteria provided, single submitter. Criteria: Invitae Variant Classification Sherloc (09022015). Collection method: clinical testing. Allele origin: germline.
Comment: This sequence change replaces lysine, which is basic and polar, with glutamine, which is neutral and polar, at codon 226 of the TPM1 protein (p.Lys226Gln). This variant is not present in population databases (gnomAD no frequency). This missense change has been observed in individual(s) with hypertrophic cardiomyopathy (PMID: 27532257). ClinVar contains an entry for this variant (Variation ID: 43433). An algorithm developed to predict the effect of missense changes on protein structure and function (PolyPhen-2) suggests that this variant is likely to be disruptive. In summary, the available evidence is currently insufficient to determine the role of this variant in disease. Therefore, it has been classified as a Variant of Uncertain Significance.

Laboratory for Molecular Medicine, Mass General Brigham Personalized Medicine
Classification: Uncertain significance. Last evaluated: 2012-06-04. Review status: criteria provided, single submitter. Criteria: LMM Criteria. Collection method: clinical testing. Allele origin: germline. Observed: 3 variant alleles.
Comment: proposed classification - variant undergoing re-assessment, contact laboratory

Literature cited by the submitters: PubMed 27532257 (cited by Labcorp Genetics (formerly Invitae), Labcorp).

NM_001018005.2(TPM1):c.676A>C (p.Lys226Gln)

Gene: TPM1 (tropomyosin 1; plus strand). Cytogenetic location: 15q22.2.
Variant type: single nucleotide variant.
Coding change: c.676A>C on transcript NM_001018005.2 (MANE Select); coding-DNA position 676, A replaced by C.
Protein change: p.Lys226Gln; replaces lysine 226 with glutamine.
Molecular consequence: missense variant.
Genome position (GRCh38, 1-based): chr15:63,062,251, A>C. VCF-style: chr15-63062251-A-C. GRCh37 (hg19) VCF-style: chr15-63354450-A-C.
Other names: c.676A>C, p.Lys226Gln (NM_000366.6, NM_001018004.2, NM_001018006.2 and 6 more transcripts); c.568A>C, p.Lys190Gln (NM_001018008.2, NM_001301289.2, NM_001330344.2 and 5 more transcripts); c.802A>C, p.Lys268Gln (NM_001365778.1); short protein forms K226Q, K190Q, K268Q.
Identifiers: ClinVar variation 43433 (VCV000043433.6), dbSNP rs397516383, ClinGen allele CA018268.